The following is an entry in ClinVar:

ClinVar aggregate classification (germline): Uncertain significance (1 of 4 stars; one submission).

Conditions:
Combined immunodeficiency due to DOCK8 deficiency (HIES2). Also called: DOCK8 Deficiency; Hyper-IgE recurrent infection syndrome, autosomal recessive; HIES autosomal recessive; HYPER-IgE RECURRENT INFECTION SYNDROME 2, AUTOSOMAL RECESSIVE; HYPER-IgE SYNDROME 2, AUTOSOMAL RECESSIVE, WITH RECURRENT INFECTIONS. Identifiers: Orphanet 217390, MedGen C4722305, MONDO:0009478, OMIM 243700.

Submission:

Labcorp Genetics (formerly Invitae), Labcorp
Classification: Uncertain significance for Hyper-Immunoglobulin E Syndrome, Autosomal Recessive. Last evaluated: 2019-11-15. Review status: criteria provided, single submitter. Criteria: Invitae Variant Classification Sherloc (09022015). Collection method: clinical testing. Allele origin: germline.
Comment: This variant results in a copy number gain of the genomic region encompassing the full coding sequence of the DOCK8 gene. The boundaries of this event are unknown as they extend beyond the assayed region for this gene and therefore may encompass additional genes. As the precise location of this event is unknown, it may be in tandem or it may be located elsewhere in the genome. This variant has not been reported in the literature in individuals with DOCK8-related conditions. In summary, the available evidence is currently insufficient to determine the role of this variant in disease. Therefore, it has been classified as a Variant of Uncertain Significance.

NC_000009.11:g.(?_214957)_(464239_?)dup

Genes: DOCK8 (dedicator of cytokinesis 8; plus strand), DOCK8-AS1 (DOCK8 antisense RNA 1; minus strand), LOC130001439 (ATAC-STARR-seq lymphoblastoid active region 28115; plus strand), LOC130001440 (ATAC-STARR-seq lymphoblastoid active region 28116; plus strand), LOC126860552 (BRD4-independent group 4 enhancer GRCh37_chr9:285795-286994; plus strand) and 2 more. Cytogenetic location: 9p24.3.
Variant type: Duplication.
Identifiers: ClinVar variation 583452 (VCV000583452.3).